The following is an entry in ClinVar:

NM_003998.4(NFKB1):c.501T>A (p.Asn167Lys)

Gene: NFKB1 (nuclear factor kappa B subunit 1; plus strand). Cytogenetic location: 4q24.
Variant type: single nucleotide variant.
Coding change: c.501T>A on transcript NM_003998.4 (MANE Select); coding-DNA position 501, T replaced by A.
Protein change: p.Asn167Lys; replaces asparagine 167 with lysine.
Molecular consequence: missense variant.
Genome position (GRCh38, 1-based): chr4:102,576,969, T>A. VCF-style: chr4-102576969-T-A. GRCh37 (hg19) VCF-style: chr4-103498126-T-A.
Other names: c.498T>A, p.Asn166Lys (NM_001165412.2, NM_001319226.2, NM_001382627.1); c.501T>A, p.Asn167Lys (NM_001382625.1, NM_001382626.1); c.459T>A, p.Asn153Lys (NM_001382628.1); short protein forms N167K, N153K, N166K.
Identifiers: ClinVar variation 4744351 (VCV004744351.1).

ClinVar aggregate classification (germline): Uncertain significance (1 of 4 stars; one submission).

Submission:

Labcorp Genetics (formerly Invitae), Labcorp
Classification: Uncertain significance. Last evaluated: 2025-11-01. Review status: criteria provided, single submitter. Criteria: Invitae Variant Classification Sherloc (09022015). Collection method: clinical testing. Allele origin: germline.
Comment: This sequence change replaces asparagine, which is neutral and polar, with lysine, which is basic and polar, at codon 167 of the NFKB1 protein (p.Asn167Lys). This variant is not present in population databases (gnomAD no frequency). This variant has not been reported in the literature in individuals affected with NFKB1-related conditions. An algorithm developed to predict the effect of missense changes on protein structure and function (PolyPhen-2) suggests that this variant is likely to be disruptive. In summary, the available evidence is currently insufficient to determine the role of this variant in disease. Therefore, it has been classified as a Variant of Uncertain Significance.